The following is an entry in ClinVar:

ClinVar aggregate classification (germline): Uncertain significance (1 of 4 stars; one submission).

Conditions:
Duchenne muscular dystrophy (DMD). Also called: Duchenne Muscular Dystrophy (DMD); MUSCULAR DYSTROPHY, PSEUDOHYPERTROPHIC PROGRESSIVE, DUCHENNE TYPE. Identifiers: Orphanet 98896, MedGen C0013264, MONDO:0010679, OMIM 310200.

Submission:

Labcorp Genetics (formerly Invitae), Labcorp
Classification: Uncertain significance for Duchenne muscular dystrophy. Last evaluated: 2019-08-02. Review status: criteria provided, single submitter. Criteria: Invitae Variant Classification Sherloc (09022015). Collection method: clinical testing. Allele origin: germline.
Comment: This variant results in a copy number gain of the genomic region encompassing exon 3 of the DMD gene. While the exact position of this variant cannot be determined from this data, sub-genic copy number gains are generally in tandem (PMID: 25640679). This variant would be expected to be in-frame, preserving the integrity of the reading frame. This variant has been observed in individuals affected with Duchenne or Becker muscular dystrophy (PMID: 16917894, 25482253). In summary, the available evidence is currently insufficient to determine the role of this variant in disease. Therefore, it has been classified as a Variant of Uncertain Significance.

Literature cited by the submitters: PubMed 16917894; PubMed 25482253.

NC_000023.11:g.(?_32849718)_(32849830_?)dup

Gene: DMD (dystrophin; minus strand). Cytogenetic location: Xp21.1.
Variant type: Duplication.
Identifiers: ClinVar variation 830600 (VCV000830600.2).